The following is an entry in ClinVar:

ClinVar aggregate classification (germline): Benign/Likely benign. Review status: criteria provided, multiple submitters, no conflicts (2 of 4 stars). 3 submissions from 3 submitters: Benign (1); Likely benign (2). Last evaluated 2025-11-05.

Conditions:
Juvenile polyposis syndrome (JPS). Identifiers: Orphanet 2929, MedGen C0345893, MONDO:0017380, OMIM 174900.
Familial thoracic aortic aneurysm and aortic dissection (TAAD). Also called: Thoracic aortic aneurysms and dissections. Identifiers: Orphanet 91387, MedGen C4707243, MONDO:0019625.
Hereditary cancer-predisposing syndrome. Also called: Neoplastic Syndromes, Hereditary; Tumor predisposition; Hereditary Cancer Syndrome; Hereditary neoplastic syndrome. Identifiers: Orphanet 140162, MedGen C0027672, MeSH D009386, MONDO:0015356.
Juvenile polyposis/hereditary hemorrhagic telangiectasia syndrome (JPHT). Also called: Juvenile Polyposis Syndrome / Hereditary Hemorrhagic Telangiectasia (JPS/HHT); JP/HHT SYNDROME; JUVENILE POLYPOSIS WITH HEREDITARY HEMORRHAGIC TELANGIECTASIA; POLYPOSIS, GENERALIZED JUVENILE, WITH PULMONARY ARTERIOVENOUS MALFORMATION; TELANGIECTASIA, HEREDITARY HEMORRHAGIC, WITH JUVENILE POLYPOSIS COLI. Identifiers: Orphanet 2929, MedGen C1832942, MONDO:0008278, OMIM 175050.

Allele frequency attached by ClinVar (database versions not stated): gnomAD exomes below 0.00001; gnomAD 0.00001; TOPMed 0.00001.
gnomAD v4.1: 2 of 1,613,310 alleles (0.00012%); highest among the groups gnomAD compares: African/African-American, 0.0027%; no homozygotes.

Submissions (3):

Labcorp Genetics (formerly Invitae), Labcorp
Classification: Likely benign for Juvenile polyposis syndrome. Last evaluated: 2025-11-05. Review status: criteria provided, single submitter. Criteria: Invitae Variant Classification Sherloc (09022015). Collection method: clinical testing. Allele origin: germline.

Myriad Genetics, Inc.
Classification: Benign for Juvenile polyposis/hereditary hemorrhagic telangiectasia syndrome. Last evaluated: 2025-03-18. Review status: criteria provided, single submitter. Criteria: Myriad Autosomal Dominant, Autosomal Recessive and X-Linked Classification Criteria (2023). Collection method: clinical testing. Allele origin: unknown.
Comment: This variant is considered benign. This variant is a silent/synonymous amino acid change and it is not expected to impact splicing.

Ambry Genetics
Classification: Likely benign for Hereditary cancer-predisposing syndrome; Familial thoracic aortic aneurysm and aortic dissection. Last evaluated: 2024-07-31. Review status: criteria provided, single submitter. Criteria: Ambry Variant Classification Scheme 2023. Collection method: clinical testing. Allele origin: germline.

NM_005359.6(SMAD4):c.414A>T (p.Ser138=)

Gene: SMAD4 (SMAD family member 4; plus strand). Cytogenetic location: 18q21.2.
Variant type: single nucleotide variant.
Coding change: c.414A>T on transcript NM_005359.6 (MANE Select); coding-DNA position 414, A replaced by T.
Protein change: p.Ser138=; no amino-acid change (serine 138 retained).
Molecular consequence: synonymous variant.
Genome position (GRCh38, 1-based): chr18:51,048,850, A>T. VCF-style: chr18-51048850-A-T. GRCh37 (hg19) VCF-style: chr18-48575220-A-T.
Other names: c.414A>T (NM_005359.5).
Identifiers: ClinVar variation 1649731 (VCV001649731.10), dbSNP rs1446170654, ClinGen allele CA503873632.